The following is an entry in ClinVar:

ClinVar aggregate classification (germline): Likely benign (1 of 4 stars; one submission).

Conditions:
Familial cancer of breast. Also called: hereditary breast carcinoma; Hereditary breast cancer; BREAST CANCER, FAMILIAL. Identifiers: Orphanet 227535, MedGen C0346153, MONDO:0016419, OMIM 114480. Disease mechanism: loss of function.

Submission:

Myriad Genetics, Inc.
Classification: Likely benign for Familial cancer of breast. Last evaluated: 2024-07-26. Review status: criteria provided, single submitter. Criteria: Myriad Autosomal Dominant, Autosomal Recessive and X-Linked Classification Criteria (2023). Collection method: clinical testing. Allele origin: unknown.
Comment: This variant is considered likely benign. This variant is intronic and is not expected to impact mRNA splicing.

NM_000465.4(BARD1):c.1811-20_1811-17delinsTTGT

Gene: BARD1 (BRCA1 associated RING domain 1; minus strand). Cytogenetic location: 2q35.
Variant type: Indel.
Coding change: c.1811-20_1811-17delinsTTGT on transcript NM_000465.4 (MANE Select); 20 bases into the intron before coding-DNA position 1811 through 17 bases into the intron before coding-DNA position 1811, CTGC replaced by TTGT.
Molecular consequence: intron variant.
Genome position (GRCh38, 1-based): chr2:214,745,176-214,745,179, GCAG replaced by ACAA on the plus strand (CTGC replaced by TTGT on the coding strand, the reverse complement: BARD1 is on the minus strand). VCF-style: chr2-214745176-GCAG-ACAA. GRCh37 (hg19) VCF-style: chr2-215609900-GCAG-ACAA.
Other names: c.401-20_401-17delinsTTGT (NM_001282548.2); c.1754-20_1754-17delinsTTGT (NM_001282543.2); c.458-20_458-17delinsTTGT (NM_001282545.2); c.365-14671_365-14668delinsTTGT (NM_001282549.2).
Identifiers: ClinVar variation 3378901 (VCV003378901.1).
Genomic context (GRCh38, chr2:214,745,176, plus strand): 5'-CAAGGTACTTTGAACTGCATCACCAGGAACAACAACATGAGTTACTAAAATACAAAAAAA[GCAG>ACAA]TAAGAGAAAGAAAGATACAAGCCAAAGTATTTCTTTGGCCTGCTTCTTATAACTCATCTA-3'